The following is an entry in ClinVar:

NM_006005.3(WFS1):c.2124C>T (p.Arg708=)

Gene: WFS1 (wolframin ER transmembrane glycoprotein; plus strand). Cytogenetic location: 4p16.1.
Variant type: single nucleotide variant.
Coding change: c.2124C>T on transcript NM_006005.3 (MANE Select); coding-DNA position 2124, C replaced by T.
Protein change: p.Arg708=; no amino-acid change (arginine 708 retained).
Molecular consequence: synonymous variant.
Genome position (GRCh38, 1-based): chr4:6,301,919, C>T. VCF-style: chr4-6301919-C-T. GRCh37 (hg19) VCF-style: chr4-6303646-C-T.
Other names: p.R708R:CGC>CGT; p.Arg708=; c.2124C>T, p.Arg708= (NM_001145853.1).
Identifiers: ClinVar variation 137918 (VCV000137918.79), dbSNP rs61735401, ClinGen allele CA295793.

ClinVar aggregate classification (germline): Benign/Likely benign. Review status: criteria provided, multiple submitters, no conflicts (2 of 4 stars). 18 submissions from 17 submitters: Benign (8); Likely benign (5). 5 of the submissions do not count toward it. Last evaluated 2026-06-01.

Conditions:
WFS1-related disorder. Identifiers: MedGen CN379391, MONDO:0700293.
WFS1-Related Spectrum Disorders.
Autosomal dominant nonsyndromic hearing loss 6 (LFSNHL). Also called: Autosomal dominant nonsyndromic deafness 6; DEAFNESS, AUTOSOMAL DOMINANT 6; DEAFNESS, AUTOSOMAL DOMINANT 14; DEAFNESS, AUTOSOMAL DOMINANT 38. Identifiers: Orphanet 90635, MedGen C1833021, MONDO:0010963, OMIM 600965.

Allele frequency attached by ClinVar (database versions not stated): ESP Exome Variant Server 0.00085; 1000 Genomes Project 0.00140; gnomAD exomes 0.00171 and 0.00225; 1000 Genomes Project 30x 0.00172; gnomAD 0.00200 and 0.00223; ExAC 0.00201; TOPMed 0.00316.
gnomAD v4.1: 2,943 of 1,612,976 alleles (0.18%); highest among the groups gnomAD compares: Middle Eastern, 6.3%; 26 homozygotes.

Submissions (18):

CeGaT Center for Human Genetics Tuebingen
Classification: Likely benign. Last evaluated: 2026-06-01. Review status: criteria provided, single submitter. Criteria: CeGaT Center For Human Genetics Tuebingen Variant Classification Criteria Version 2. Collection method: clinical testing. Allele origin: germline. Affected: yes. Observed: 18 variant alleles.
Comment: WFS1: BP4, BP7

Labcorp Genetics (formerly Invitae), Labcorp
Classification: Benign. Last evaluated: 2026-01-27. Review status: criteria provided, single submitter. Criteria: Invitae Variant Classification Sherloc (09022015). Collection method: clinical testing. Allele origin: germline.

Blueprint Genetics
Classification: Likely benign. Last evaluated: 2024-11-21. Review status: criteria provided, single submitter. Criteria: ACMG Guidelines, 2015. Collection method: clinical testing. Allele origin: germline.

Mayo Clinic Laboratories, Mayo Clinic
Classification: Benign. Last evaluated: 2023-10-24. Review status: criteria provided, single submitter. Criteria: ACMG Guidelines, 2015. Collection method: clinical testing. Allele origin: germline. Observed: 6 variant alleles.
Comment: BA1, BP4, BP7

ARUP Laboratories, Molecular Genetics and Genomics, ARUP Laboratories
Classification: Benign. Last evaluated: 2023-09-12. Review status: criteria provided, single submitter. Criteria: ARUP Molecular Germline Variant Investigation Process 2024. Collection method: clinical testing. Allele origin: germline.

Athena Diagnostics
Classification: Benign. Last evaluated: 2019-07-17. Review status: criteria provided, single submitter. Criteria: Athena Diagnostics Criteria. Collection method: clinical testing. Allele origin: germline.

Illumina Laboratory Services, Illumina
Classification: Benign for Autosomal dominant nonsyndromic hearing loss 6. Last evaluated: 2017-04-27. Review status: criteria provided, single submitter. Criteria: ICSL Variant Classification Criteria 13 December 2019. Collection method: clinical testing. Allele origin: germline.
Comment: This variant was observed as part of a predisposition screen in an ostensibly healthy population. A literature search was performed for the gene, cDNA change, and amino acid change (where applicable). No publications were found based on this search. Allele frequency data from public databases was too high to be consistent with this variant causing disease. Therefore, this variant is classified as benign.

Illumina Laboratory Services, Illumina
Classification: Likely benign for WFS1-Related Spectrum Disorders. Last evaluated: 2017-04-27. Review status: criteria provided, single submitter. Criteria: ICSL Variant Classification Criteria 13 December 2019. Collection method: clinical testing. Allele origin: germline.
Comment: This variant was observed as part of a predisposition screen in an ostensibly healthy population. A literature search was performed for the gene, cDNA change, and amino acid change (where applicable). Publications were found based on this search. The evidence from the literature, in combination with allele frequency data from public databases where available, was sufficient to determine this variant is unlikely to cause disease. Therefore, this variant is classified as likely benign.

Genetic Services Laboratory, University of Chicago
Classification: Likely benign. Last evaluated: 2017-01-17. Review status: criteria provided, single submitter. Criteria: ACMG Guidelines, 2015. Collection method: clinical testing. Allele origin: germline. Affected: no.

Eurofins Ntd Llc (ga)
Classification: Benign. Last evaluated: 2017-01-09. Review status: criteria provided, single submitter. Criteria: EGL Classification Definitions 2015. Collection method: clinical testing. Allele origin: germline. Observed: 4 variant alleles, 4 heterozygotes.

Laboratory for Molecular Medicine, Mass General Brigham Personalized Medicine
Classification: Benign. Last evaluated: 2015-02-04. Review status: criteria provided, single submitter. Criteria: LMM Criteria. Collection method: clinical testing. Allele origin: germline. Observed: 20 variant alleles.
Comment: p.Arg708Arg in Exon 08 of WFS1: This variant is not expected to have clinical si gnificance because it does not alter an amino acid residue and is not located wi thin the splice consensus sequence. It has been identified in 0.7% (82/11420) of Latino chromosomes by the Exome Aggregation Consortium (ExAC; dbSNP rs61735401).

GeneDx
Classification: Benign. Last evaluated: 2014-02-19. Review status: criteria provided, single submitter. Criteria: GeneDx Variant Classification (06012015). Collection method: clinical testing. Allele origin: germline. Affected: yes.
Comment: This variant is considered likely benign or benign based on one or more of the following criteria: it is a conservative change, it occurs at a poorly conserved position in the protein, it is predicted to be benign by multiple in silico algorithms, and/or has population frequency not consistent with disease.

Breakthrough Genomics
Classification: Likely benign. Review status: criteria provided, single submitter. Criteria: ACMG Guidelines, 2015. Collection method: not provided. Allele origin: germline. Inheritance: Autosomal recessive inheritance. Affected: yes.

PreventionGenetics, part of Exact Sciences
Classification: Benign for WFS1-related condition. Last evaluated: 2019-11-20. Review status: no assertion criteria provided. Collection method: clinical testing. Allele origin: germline. Not counted in ClinVar's aggregate classification.
Comment: This variant is classified as benign based on ACMG/AMP sequence variant interpretation guidelines (Richards et al. 2015 PMID: 25741868, with internal and published modifications).

Clinical Genetics DNA and cytogenetics Diagnostics Lab, Erasmus MC, Erasmus Medical Center
Classification: Likely benign. Review status: no assertion criteria provided. Collection method: clinical testing. Allele origin: germline. Affected: yes. Study: VKGL Data-share Consensus. Not counted in ClinVar's aggregate classification.

Clinical Genetics, Academic Medical Center
Classification: Likely benign. Review status: no assertion criteria provided. Collection method: clinical testing. Allele origin: germline. Affected: yes. Study: VKGL Data-share Consensus. Not counted in ClinVar's aggregate classification.

Diagnostic Laboratory, Department of Genetics, University Medical Center Groningen
Classification: Likely benign. Review status: no assertion criteria provided. Collection method: clinical testing. Allele origin: germline. Affected: yes. Study: VKGL Data-share Consensus. Not counted in ClinVar's aggregate classification.

Laboratory of Diagnostic Genome Analysis, Leiden University Medical Center (LUMC)
Classification: Likely benign. Review status: no assertion criteria provided. Collection method: clinical testing. Allele origin: germline. Affected: yes. Study: VKGL Data-share Consensus. Not counted in ClinVar's aggregate classification.

Literature cited by the submitters: PubMed 12955714 (cited by 3 submitters); PubMed 27617222 (cited by Mayo Clinic Laboratories, Mayo Clinic and Athena Diagnostics).